The following is an entry in ClinVar:

NM_016169.4(SUFU):c.706A>G (p.Thr236Ala)

Gene: SUFU (SUFU negative regulator of hedgehog signaling; plus strand). Cytogenetic location: 10q24.32.
Variant type: single nucleotide variant.
Coding change: c.706A>G on transcript NM_016169.4 (MANE Select); coding-DNA position 706, A replaced by G.
Protein change: p.Thr236Ala; replaces threonine 236 with alanine.
Molecular consequence: missense variant.
Genome position (GRCh38, 1-based): chr10:102,594,015, A>G. VCF-style: chr10-102594015-A-G. GRCh37 (hg19) VCF-style: chr10-104353772-A-G.
Other names: c.706A>G, p.Thr236Ala (NM_001178133.2); short protein forms T236A.
Identifiers: ClinVar variation 1756984 (VCV001756984.5), dbSNP rs749799131, ClinGen allele CA212266374.

ClinVar aggregate classification (germline): Uncertain significance. Review status: criteria provided, multiple submitters, no conflicts (2 of 4 stars). 2 submissions from 2 submitters: Uncertain significance (2). Last evaluated 2025-03-12.

Conditions:
Hereditary cancer-predisposing syndrome. Also called: Neoplastic Syndromes, Hereditary; Tumor predisposition; Hereditary neoplastic syndrome; Hereditary Cancer Syndrome. Identifiers: Orphanet 140162, MedGen C0027672, MeSH D009386, MONDO:0015356.
Medulloblastoma (MDB). Also called: MEDULLOBLASTOMA PREDISPOSITION SYNDROME; Medulloblastoma, somatic. Identifiers: Orphanet 616, MedGen C0025149, MeSH D008527, MONDO:0007959, OMIM 155255, HP:0002885.
Gorlin syndrome. Also called: Nevoid Basal Cell Carcinoma Syndrome; Basal cell nevus syndrome. Identifiers: Orphanet 377, MedGen C0004779, MONDO:0007187.

Allele frequency attached by ClinVar (database versions not stated): gnomAD exomes below 0.00001.
gnomAD v4.1: 2 of 1,614,182 alleles (0.00012%); highest among the groups gnomAD compares: Non-Finnish European, 0.00017%; no homozygotes.

Submissions (2):

Labcorp Genetics (formerly Invitae), Labcorp
Classification: Uncertain significance for Gorlin syndrome; Medulloblastoma. Last evaluated: 2025-03-12. Review status: criteria provided, single submitter. Criteria: Invitae Variant Classification Sherloc (09022015). Collection method: clinical testing. Allele origin: germline.
Comment: This sequence change replaces threonine, which is neutral and polar, with alanine, which is neutral and non-polar, at codon 236 of the SUFU protein (p.Thr236Ala). This variant is not present in population databases (gnomAD no frequency). This variant has not been reported in the literature in individuals affected with SUFU-related conditions. ClinVar contains an entry for this variant (Variation ID: 1756984). Invitae Evidence Modeling of protein sequence and biophysical properties (such as structural, functional, and spatial information, amino acid conservation, physicochemical variation, residue mobility, and thermodynamic stability) has been performed for this missense variant. However, the output from this modeling did not meet the statistical confidence thresholds required to predict the impact of this variant on SUFU protein function. In summary, the available evidence is currently insufficient to determine the role of this variant in disease. Therefore, it has been classified as a Variant of Uncertain Significance.

Ambry Genetics
Classification: Uncertain significance for Hereditary cancer-predisposing syndrome. Last evaluated: 2022-02-16. Review status: criteria provided, single submitter. Criteria: Ambry Variant Classification Scheme 2023. Collection method: clinical testing. Allele origin: germline.
Comment: The p.T236A variant (also known as c.706A>G), located in coding exon 6 of the SUFU gene, results from an A to G substitution at nucleotide position 706. The threonine at codon 236 is replaced by alanine, an amino acid with similar properties. This amino acid position is conserved. In addition, this alteration is predicted to be deleterious by in silico analysis. Since supporting evidence is limited at this time, the clinical significance of this alteration remains unclear.